The following is an entry in ClinVar:

NM_016180.5(SLC45A2):c.1502C>A (p.Ala501Asp)

Gene: SLC45A2 (solute carrier family 45 member 2; minus strand). Cytogenetic location: 5p13.2.
Variant type: single nucleotide variant.
Coding change: c.1502C>A on transcript NM_016180.5 (MANE Select); coding-DNA position 1502, C replaced by A.
Protein change: p.Ala501Asp; replaces alanine 501 with aspartic acid.
Molecular consequence: missense variant.
Genome position (GRCh38, 1-based): chr5:33,944,739, G>T on the plus strand (C>A on the coding strand, the complement: SLC45A2 is on the minus strand). VCF-style: chr5-33944739-G-T. GRCh37 (hg19) VCF-style: chr5-33944844-G-T.
Other names: short protein forms A501D.
Identifiers: ClinVar variation 3366481 (VCV003366481.1).

ClinVar aggregate classification (germline): Uncertain significance (1 of 4 stars; one submission).

gnomAD v4.1: 24 of 1,614,080 alleles (0.0015%); highest among the groups gnomAD compares: Non-Finnish European, 0.0019%; no homozygotes.

Submission:

Women's Health and Genetics/Laboratory Corporation of America, LabCorp
Classification: Uncertain significance. Last evaluated: 2024-08-06. Review status: criteria provided, single submitter. Criteria: LabCorp Variant Classification Summary - May 2015. Collection method: clinical testing. Allele origin: germline.
Comment: Variant summary: SLC45A2 c.1502C>A (p.Ala501Asp) results in a non-conservative amino acid change in the encoded protein sequence. Five of five in-silico tools predict a damaging effect of the variant on protein function. The variant allele was found at a frequency of 8e-06 in 251268 control chromosomes. c.1502C>A has been reported in the literature in at-least three individuals affected with Oculocutaneous albinism type 4 (Rooryck_2008, Hutton_JID, Kruijt_2021). These data indicate that the variant may be associated with disease. To our knowledge, no experimental evidence demonstrating an impact on protein function has been reported. The following publications have been ascertained in the context of this evaluation (PMID: 18463683, 34078970, 18821858). No submitters have cited clinical-significance assessments for this variant to ClinVar. Based on the evidence outlined above, the variant was classified as VUS-possibly pathogenic.

Literature cited by the submitters: PubMed 18463683; PubMed 18821858; PubMed 34078970.